The following is an entry in ClinVar:

ClinVar aggregate classification (germline): Uncertain significance (1 of 4 stars; one submission).

Submission:

Labcorp Genetics (formerly Invitae), Labcorp
Classification: Uncertain significance. Last evaluated: 2025-02-03. Review status: criteria provided, single submitter. Criteria: Invitae Variant Classification Sherloc (09022015). Collection method: clinical testing. Allele origin: germline.
Comment: This sequence change replaces proline, which is neutral and non-polar, with alanine, which is neutral and non-polar, at codon 690 of the ABCC8 protein (p.Pro690Ala). This variant is not present in population databases (gnomAD no frequency). This variant has not been reported in the literature in individuals affected with ABCC8-related conditions. ClinVar contains an entry for this variant (Variation ID: 2108229). Invitae Evidence Modeling of protein sequence and biophysical properties (such as structural, functional, and spatial information, amino acid conservation, physicochemical variation, residue mobility, and thermodynamic stability) indicates that this missense variant is not expected to disrupt ABCC8 protein function with a negative predictive value of 95%. In summary, the available evidence is currently insufficient to determine the role of this variant in disease. Therefore, it has been classified as a Variant of Uncertain Significance.

NM_000352.6(ABCC8):c.2068C>G (p.Pro690Ala)

Gene: ABCC8 (ATP binding cassette subfamily C member 8; minus strand). Cytogenetic location: 11p15.1.
Variant type: single nucleotide variant.
Coding change: c.2068C>G on transcript NM_000352.6 (MANE Select); coding-DNA position 2068, C replaced by G.
Protein change: p.Pro690Ala; replaces proline 690 with alanine.
Molecular consequence: missense variant. On other transcripts: non-coding transcript variant (1).
Genome position (GRCh38, 1-based): chr11:17,427,915, G>C on the plus strand (C>G on the coding strand, the complement: ABCC8 is on the minus strand). VCF-style: chr11-17427915-G-C. GRCh37 (hg19) VCF-style: chr11-17449462-G-C.
Other names: c.2068C>G, p.Pro690Ala (NM_001287174.3); c.2134C>G, p.Pro712Ala (NM_001351295.2); c.2065C>G, p.Pro689Ala (NM_001351296.2, NM_001351297.2); short protein forms P712A, P689A, P690A.
Identifiers: ClinVar variation 2108229 (VCV002108229.4), dbSNP rs2496663546, ClinGen allele CA379814872.
Genomic context (GRCh38, chr11:17,427,915, plus strand): 5'-ACTGGGCCATACCTCGGGGGATACGAATGGTGATGTTGGACAGTGTGGGGATTCCATCTG[G>C]GGTCCACGTGAAGTAGCCTCCCATGATCTTCATTAGGCGTGTCCCACCGCCCAGGAGAGA-3'
Protein context (NP_000343.2, residues 680-700): QIMGGYFTWT[Pro690Ala]DGIPTLSNIT